The following is an entry in ClinVar:

ClinVar aggregate classification (germline): Benign (1 of 4 stars; one submission).

gnomAD v4.1: 298 of 1,611,030 alleles (0.018%); highest among the groups gnomAD compares: Admixed American, 0.49%; 1 homozygote.

Submission:

CeGaT Center for Human Genetics Tuebingen
Classification: Benign. Last evaluated: 2025-12-01. Review status: criteria provided, single submitter. Criteria: CeGaT Center For Human Genetics Tuebingen Variant Classification Criteria Version 2. Collection method: clinical testing. Allele origin: germline. Affected: yes. Observed: 1 variant allele.
Comment: PHACTR1: BP4, BS1, BS2

NM_030948.6(PHACTR1):c.117C>T (p.Thr39=)

Gene: PHACTR1 (phosphatase and actin regulator 1; plus strand). Cytogenetic location: 6p24.1.
Variant type: single nucleotide variant.
Coding change: c.117C>T on transcript NM_030948.6 (MANE Select); coding-DNA position 117, C replaced by T.
Protein change: p.Thr39=; no amino-acid change (threonine 39 retained).
Molecular consequence: synonymous variant.
Genome position (GRCh38, 1-based): chr6:12,749,657, C>T. VCF-style: chr6-12749657-C-T. GRCh37 (hg19) VCF-style: chr6-12749889-C-T.
Other names: c.117C>T, p.Thr39= (NM_001242648.4, NM_001322308.3, NM_001322309.3 and 4 more transcripts).
Identifiers: ClinVar variation 4681798 (VCV004681798.5).